The following is an entry in ClinVar:

ClinVar aggregate classification (germline): Uncertain significance. Review status: criteria provided, multiple submitters, no conflicts (2 of 4 stars). 2 submissions from 2 submitters: Uncertain significance (2). Last evaluated 2024-06-10.

Conditions:
Hereditary cancer-predisposing syndrome. Also called: Neoplastic Syndromes, Hereditary; Tumor predisposition; Hereditary Cancer Syndrome; Hereditary neoplastic syndrome. Identifiers: Orphanet 140162, MedGen C0027672, MeSH D009386, MONDO:0015356.
Bloom syndrome (BLM). Also called: Bloom-Torre-Machacek syndrome. Identifiers: Orphanet 125, MedGen C0005859, MONDO:0008876, OMIM 210900.

Submissions (2):

Labcorp Genetics (formerly Invitae), Labcorp
Classification: Uncertain significance for Bloom syndrome. Last evaluated: 2024-06-10. Review status: criteria provided, single submitter. Criteria: Invitae Variant Classification Sherloc (09022015). Collection method: clinical testing. Allele origin: germline.
Comment: This sequence change replaces isoleucine, which is neutral and non-polar, with valine, which is neutral and non-polar, at codon 617 of the BLM protein (p.Ile617Val). This variant is not present in population databases (gnomAD no frequency). This variant has not been reported in the literature in individuals affected with BLM-related conditions. ClinVar contains an entry for this variant (Variation ID: 1781288). An algorithm developed to predict the effect of missense changes on protein structure and function (PolyPhen-2) suggests that this variant is likely to be tolerated. In summary, the available evidence is currently insufficient to determine the role of this variant in disease. Therefore, it has been classified as a Variant of Uncertain Significance.

Ambry Genetics
Classification: Uncertain significance for Hereditary cancer-predisposing syndrome. Last evaluated: 2024-05-31. Review status: criteria provided, single submitter. Criteria: Ambry Variant Classification Scheme 2023. Collection method: clinical testing. Allele origin: germline.
Comment: The p.I617V variant (also known as c.1849A>G), located in coding exon 6 of the BLM gene, results from an A to G substitution at nucleotide position 1849. The isoleucine at codon 617 is replaced by valine, an amino acid with highly similar properties. This amino acid position is conserved. In addition, this alteration is predicted to be tolerated by in silico analysis. Since supporting evidence is limited at this time, the clinical significance of this alteration remains unclear.

NM_000057.4(BLM):c.1849A>G (p.Ile617Val)

Gene: BLM (BLM RecQ like helicase; plus strand). Cytogenetic location: 15q26.1.
Variant type: single nucleotide variant.
Coding change: c.1849A>G on transcript NM_000057.4 (MANE Select); coding-DNA position 1849, A replaced by G.
Protein change: p.Ile617Val; replaces isoleucine 617 with valine.
Molecular consequence: missense variant.
Genome position (GRCh38, 1-based): chr15:90,761,222, A>G. VCF-style: chr15-90761222-A-G. GRCh37 (hg19) VCF-style: chr15-91304452-A-G.
Other names: c.1849A>G, p.Ile617Val (NM_001287246.2, NM_001287247.2); c.724A>G, p.Ile242Val (NM_001287248.2); short protein forms I617V, I242V.
Identifiers: ClinVar variation 1781288 (VCV001781288.8), dbSNP rs1219301379, ClinGen allele CA393843974.